The following is an entry in ClinVar:

NM_031885.5(BBS2):c.2079G>A (p.Gln693=)

Gene: BBS2 (Bardet-Biedl syndrome 2; minus strand). Cytogenetic location: 16q13.
Variant type: single nucleotide variant.
Coding change: c.2079G>A on transcript NM_031885.5 (MANE Select); coding-DNA position 2079, G replaced by A.
Protein change: p.Gln693=; no amino-acid change (glutamine 693 retained).
Molecular consequence: synonymous variant. On other transcripts: non-coding transcript variant (5).
Genome position (GRCh38, 1-based): chr16:56,484,848, C>T on the plus strand (G>A on the coding strand, the complement: BBS2 is on the minus strand). VCF-style: chr16-56484848-C-T. GRCh37 (hg19) VCF-style: chr16-56518760-C-T.
Other names: c.2079G>A, p.Gln693= (NM_001377456.1).
Identifiers: ClinVar variation 319849 (VCV000319849.22), dbSNP rs150797250, ClinGen allele CA8065525.
Genomic context (GRCh38, chr16:56,484,848, plus strand): 5'-GATTTTGAACAGTGTGTTGATGTTATTGCTTCGAATTGCATCCCGACAAGCAGTGATCAC[C>T]TGGTTCTTTGGTTTTCCAACTGCATAAGAAGAAACATCAGGAACCAAAAGATTGTTAGAC-3'
Protein context (NP_114091.4, residues 683-703): GRLRVGKPKN[Gln693=]VITACRDAIR

ClinVar aggregate classification (germline): Benign/Likely benign. Review status: criteria provided, multiple submitters, no conflicts (2 of 4 stars). 8 submissions from 8 submitters: Benign (4); Likely benign (1). 3 of the submissions do not count toward it. Last evaluated 2026-01-28.

Conditions:
Bardet-Biedl syndrome 2 (BBS2). Identifiers: Orphanet 110, MedGen C2936863, MONDO:0014432, OMIM 615981.
Retinal dystrophy. Also called: Inherited retinal dystrophy. Identifiers: Orphanet 71862, MedGen C0854723, MeSH D058499, MONDO:0019118, HP:0000556.
Bardet-Biedl syndrome (BBS). Identifiers: Orphanet 110, MedGen C0752166, MONDO:0015229.

Allele frequency attached by ClinVar (database versions not stated): ESP Exome Variant Server 0.00008; gnomAD 0.00034 and 0.00065; TOPMed 0.00066; gnomAD exomes 0.00156; ExAC 0.00172; 1000 Genomes Project 30x 0.00219; 1000 Genomes Project 0.00280.
gnomAD v4.1: 1,393 of 1,613,970 alleles (0.086%); highest among the groups gnomAD compares: East Asian, 2.6%; 15 homozygotes.

Submissions (8):

Labcorp Genetics (formerly Invitae), Labcorp
Classification: Benign for Bardet-Biedl syndrome. Last evaluated: 2026-01-28. Review status: criteria provided, single submitter. Criteria: Invitae Variant Classification Sherloc (09022015). Collection method: clinical testing. Allele origin: germline.

Women's Health and Genetics/Laboratory Corporation of America, LabCorp
Classification: Benign. Last evaluated: 2024-12-06. Review status: criteria provided, single submitter. Criteria: LabCorp Variant Classification Summary - May 2015. Collection method: clinical testing. Allele origin: germline.

Blueprint Genetics
Classification: Likely benign. Last evaluated: 2024-10-04. Review status: criteria provided, single submitter. Criteria: ACMG Guidelines, 2015. Collection method: clinical testing. Allele origin: germline.

Dept Of Ophthalmology, Nagoya University
Classification: Benign for Retinal dystrophy. Last evaluated: 2023-10-01. Review status: criteria provided, single submitter. Criteria: Submitter's publication. Collection method: research. Allele origin: germline. Affected: yes.

Illumina Laboratory Services, Illumina
Classification: Benign for Bardet-Biedl syndrome 2. Last evaluated: 2018-01-13. Review status: criteria provided, single submitter. Criteria: ICSL Variant Classification Criteria 13 December 2019. Collection method: clinical testing. Allele origin: germline.
Comment: This variant was observed in the ICSL laboratory as part of a predisposition screen in an ostensibly healthy population. It had not been previously curated by ICSL or reported in the Human Gene Mutation Database (HGMD: prior to June 1st, 2018), and was therefore a candidate for classification through an automated scoring system. Utilizing variant allele frequency, disease prevalence and penetrance estimates, and inheritance mode, an automated score was calculated to assess if this variant is too frequent to cause the disease. Based on the score and internal cut-off values, a variant classified as benign is not then subjected to further curation. The score for this variant resulted in a classification of benign for this disease.

Natera, Inc.
Classification: Benign for Bardet-Biedl syndrome type 2. Last evaluated: 2019-12-03. Review status: no assertion criteria provided. Collection method: clinical testing. Allele origin: germline. Not counted in ClinVar's aggregate classification.

Clinical Genetics, Academic Medical Center
Classification: Benign. Review status: no assertion criteria provided. Collection method: clinical testing. Allele origin: germline. Affected: yes. Study: VKGL Data-share Consensus. Not counted in ClinVar's aggregate classification.

Genome Diagnostics Laboratory, University Medical Center Utrecht
Classification: Benign. Review status: no assertion criteria provided. Collection method: clinical testing. Allele origin: germline. Affected: yes. Study: VKGL Data-share Consensus. Not counted in ClinVar's aggregate classification.